The following is an entry in ClinVar:

NM_181486.4(TBX5):c.836G>A (p.Arg279Gln)

Gene: TBX5 (T-box transcription factor 5; minus strand). Cytogenetic location: 12q24.21.
Variant type: single nucleotide variant.
Coding change: c.836G>A on transcript NM_181486.4 (MANE Select); coding-DNA position 836, G replaced by A.
Protein change: p.Arg279Gln; replaces arginine 279 with glutamine.
Molecular consequence: missense variant.
Genome position (GRCh38, 1-based): chr12:114,366,311, C>T on the plus strand (G>A on the coding strand, the complement: TBX5 is on the minus strand). VCF-style: chr12-114366311-C-T. GRCh37 (hg19) VCF-style: chr12-114804116-C-T.
Other names: c.836G>A, p.Arg279Gln (NM_000192.3); c.686G>A, p.Arg229Gln (NM_080717.4); short protein forms R279Q, R229Q.
Identifiers: ClinVar variation 264163 (VCV000264163.23), dbSNP rs115178276, ClinGen allele CA6809488.

ClinVar aggregate classification (germline): Likely benign. Review status: criteria provided, multiple submitters, no conflicts (2 of 4 stars). 6 submissions from 6 submitters: Likely benign (5). 1 of the submissions does not count toward it. Last evaluated 2025-12-19.

Conditions:
TBX5-related disorder. Also called: TBX5-related condition.
Cardiovascular phenotype. Identifiers: MedGen CN230736.
Aortic valve disease 2 (AOVD2). Identifiers: MedGen C3542024, MONDO:0013902, OMIM 614823.
Primary dilated cardiomyopathy (DCM). Also called: Dilated Cardiomyopathy. Identifiers: Orphanet 217604, MedGen C0007193, MeSH D002311, MONDO:0005021, HP:0001644. Inheritance: Various modes of inheritance.

Allele frequency attached by ClinVar (database versions not stated): gnomAD exomes 0.00020; ExAC 0.00025; 1000 Genomes Project 0.00080; gnomAD 0.00082 and 0.00087; ESP Exome Variant Server 0.00085; TOPMed 0.00093; 1000 Genomes Project 30x 0.00094.
gnomAD v4.1: 267 of 1,614,034 alleles (0.017%); highest among the groups gnomAD compares: African/African-American, 0.29%; no homozygotes.

Submissions (6):

Labcorp Genetics (formerly Invitae), Labcorp
Classification: Likely benign for Aortic valve disease 2. Last evaluated: 2025-12-19. Review status: criteria provided, single submitter. Criteria: Invitae Variant Classification Sherloc (09022015). Collection method: clinical testing. Allele origin: germline.

Blueprint Genetics
Classification: Likely benign. Last evaluated: 2024-10-09. Review status: criteria provided, single submitter. Criteria: ACMG Guidelines, 2015. Collection method: clinical testing. Allele origin: germline.

GeneDx
Classification: Likely benign. Last evaluated: 2023-02-14. Review status: criteria provided, single submitter. Criteria: GeneDx Variant Classification Process June 2021. Collection method: clinical testing. Allele origin: germline. Affected: yes.
Comment: Reported in a patient with limb anomalies consistent with Holt-Oram syndrome, but the authors were unsure whether p.(R279Q) contributed to the individual's phenotype (Debeer et al., 2007).; In silico analysis supports that this missense variant does not alter protein structure/function; This variant is associated with the following publications: (PMID: 17534187)

Ambry Genetics
Classification: Likely benign for Cardiovascular phenotype. Last evaluated: 2019-03-12. Review status: criteria provided, single submitter. Criteria: Ambry Variant Classification Scheme 2023. Collection method: clinical testing. Allele origin: germline.

Genetics and Genomics Program, Sidra Medicine
Classification: Likely benign for Primary dilated cardiomyopathy. Review status: criteria provided, single submitter. Criteria: ACMG Guidelines, 2015. Collection method: research. Allele origin: unknown. Affected: yes. Observed: 1 variant allele.

PreventionGenetics, part of Exact Sciences
Classification: Likely benign for TBX5-related condition. Last evaluated: 2019-07-30. Review status: no assertion criteria provided. Collection method: clinical testing. Allele origin: germline. Not counted in ClinVar's aggregate classification.
Comment: This variant is classified as likely benign based on ACMG/AMP sequence variant interpretation guidelines (Richards et al. 2015 PMID: 25741868, with internal and published modifications).

Literature cited by the submitters: PubMed 17534187 (cited by Ambry Genetics).